The following is an entry in ClinVar:

ClinVar aggregate classification (germline): Uncertain significance (1 of 4 stars; one submission).

Submission:

GeneDx
Classification: Uncertain significance. Last evaluated: 2024-01-29. Review status: criteria provided, single submitter. Criteria: GeneDx Variant Classification Process June 2021. Collection method: clinical testing. Allele origin: germline. Affected: yes.
Comment: Not observed at significant frequency in large population cohorts (gnomAD); In silico analysis supports that this missense variant has a deleterious effect on protein structure/function; Has not been previously published as pathogenic or benign to our knowledge; This variant is associated with the following publications: (PMID: 27311832)

NM_004380.3(CREBBP):c.5540A>C (p.Lys1847Thr)

Gene: CREBBP (CREB binding protein; minus strand). Cytogenetic location: 16p13.3.
Variant type: single nucleotide variant.
Coding change: c.5540A>C on transcript NM_004380.3 (MANE Select); coding-DNA position 5540, A replaced by C.
Protein change: p.Lys1847Thr; replaces lysine 1847 with threonine.
Molecular consequence: missense variant.
Genome position (GRCh38, 1-based): chr16:3,729,507, T>G on the plus strand (A>C on the coding strand, the complement: CREBBP is on the minus strand). VCF-style: chr16-3729507-T-G. GRCh37 (hg19) VCF-style: chr16-3779508-T-G.
Other names: c.5426A>C, p.Lys1809Thr (NM_001079846.1); short protein forms K1809T, K1847T.
Identifiers: ClinVar variation 3368527 (VCV003368527.1).